The following is an entry in ClinVar:

ClinVar aggregate classification (germline): Likely benign (1 of 4 stars; one submission).

Allele frequency attached by ClinVar (database versions not stated): gnomAD 0.00001; gnomAD exomes 0.00002; TOPMed 0.00002.
gnomAD v4.1: 25 of 1,227,492 alleles (0.002%); highest among the groups gnomAD compares: Non-Finnish European, 0.0024%; no homozygotes.

Submission:

CeGaT Center for Human Genetics Tuebingen
Classification: Likely benign. Last evaluated: 2022-03-01. Review status: criteria provided, single submitter. Criteria: CeGaT Center For Human Genetics Tuebingen Variant Classification Criteria Version 2. Collection method: clinical testing. Allele origin: germline. Affected: yes. Observed: 1 variant allele.
Comment: SEMA6B: BP4, BP7

NM_032108.4(SEMA6B):c.2527C>T (p.Leu843=)

Gene: SEMA6B (semaphorin 6B; minus strand). Cytogenetic location: 19p13.3.
Variant type: single nucleotide variant.
Coding change: c.2527C>T on transcript NM_032108.4 (MANE Select); coding-DNA position 2527, C replaced by T.
Protein change: p.Leu843=; no amino-acid change (leucine 843 retained).
Molecular consequence: synonymous variant.
Genome position (GRCh38, 1-based): chr19:4,543,741, G>A on the plus strand (C>T on the coding strand, the complement: SEMA6B is on the minus strand). VCF-style: chr19-4543741-G-A. GRCh37 (hg19) VCF-style: chr19-4543753-G-A.
Identifiers: ClinVar variation 2649066 (VCV002649066.24), dbSNP rs1293471969, ClinGen allele CA505020695.
Genomic context (GRCh38, chr19:4,543,741, plus strand): 5'-AGCCGCGGTGGCGGTCCCCAGGCCGGGCCTCGCCGCTGTTGAACGTGTGGGTGCGGCGCA[G>A]GGTGGCGGCCGGAGGGGCGTGGGGGCCCAGTGGCCTCCTCAGGCTGCCCGTCGGGGGCGG-3'
Protein context (NP_115484.2, residues 833-853): LGPHAPPAAT[Leu843=]RRTHTFNSGE